The following is an entry in ClinVar:

ClinVar aggregate classification (germline): Pathogenic (1 of 4 stars; one submission).

Conditions:
Bardet-Biedl syndrome (BBS). Identifiers: Orphanet 110, MedGen C0752166, MONDO:0015229.

Submission:

Labcorp Genetics (formerly Invitae), Labcorp
Classification: Pathogenic for Bardet-Biedl syndrome. Last evaluated: 2021-09-15. Review status: criteria provided, single submitter. Criteria: Invitae Variant Classification Sherloc (09022015). Collection method: clinical testing. Allele origin: germline.
Comment: This sequence change creates a premature translational stop signal (p.Leu208*) in the BBS4 gene. It is expected to result in an absent or disrupted protein product. Loss-of-function variants in BBS4 are known to be pathogenic (PMID: 11381270, 12016587, 20177705, 27894351). For these reasons, this variant has been classified as Pathogenic. This variant has not been reported in the literature in individuals affected with BBS4-related conditions. This variant is not present in population databases (ExAC no frequency).

Literature cited by the submitters: PubMed 11381270; PubMed 12016587; PubMed 20177705; PubMed 27894351.

NM_033028.5(BBS4):c.623T>A (p.Leu208Ter)

Gene: BBS4 (Bardet-Biedl syndrome 4; plus strand). Cytogenetic location: 15q24.1.
Variant type: single nucleotide variant.
Coding change: c.623T>A on transcript NM_033028.5 (MANE Select); coding-DNA position 623, T replaced by A.
Protein change: p.Leu208Ter; replaces leucine 208 with a stop codon.
Molecular consequence: nonsense. On other transcripts: non-coding transcript variant (2).
Genome position (GRCh38, 1-based): chr15:72,727,975, T>A. VCF-style: chr15-72727975-T-A. GRCh37 (hg19) VCF-style: chr15-73020316-T-A.
Other names: c.107T>A, p.Leu36Ter (NM_001252678.2); c.623T>A, p.Leu208Ter (NM_001320665.2); short protein forms L208*, L36*.
Identifiers: ClinVar variation 1398623 (VCV001398623.6), dbSNP rs1358520224, ClinGen allele CA393077512.